The following is an entry in ClinVar:

NM_182961.4(SYNE1):c.4233A>G (p.Gln1411=)

Gene: SYNE1 (spectrin repeat containing nuclear envelope protein 1; minus strand). Cytogenetic location: 6q25.2.
Variant type: single nucleotide variant.
Coding change: c.4233A>G on transcript NM_182961.4 (MANE Select); coding-DNA position 4233, A replaced by G.
Protein change: p.Gln1411=; no amino-acid change (glutamine 1411 retained).
Molecular consequence: synonymous variant.
Genome position (GRCh38, 1-based): chr6:152,436,018, T>C on the plus strand (A>G on the coding strand, the complement: SYNE1 is on the minus strand). VCF-style: chr6-152436018-T-C. GRCh37 (hg19) VCF-style: chr6-152757153-T-C.
Other names: c.4254A>G, p.Gln1418= (NM_033071.5).
Identifiers: ClinVar variation 3354430 (VCV003354430.3).

ClinVar aggregate classification (germline): Likely benign. Review status: criteria provided, single submitter (1 of 4 stars). 2 submissions from 2 submitters: Likely benign (1). 1 of the submissions does not count toward it. Last evaluated 2024-07-30.

Conditions:
SYNE1-related disorder. Also called: SYNE1-related disorders; SYNE1-related disease; SYNE1-related condition.
Emery-Dreifuss muscular dystrophy 4, autosomal dominant (EDMD4). Also called: EMERY-DREIFUSS MUSCULAR DYSTROPHY 4 WITH VARIABLE FEATURES. Identifiers: Orphanet 261, MedGen C2751807, MONDO:0013071, OMIM 612998.
Autosomal recessive ataxia, Beauce type. Also called: SYNE1 Deficiency; Spinocerebellar ataxia, autosomal recessive 8; ATAXIA, RECESSIVE, OF BEAUCE; SYNE1-Related Autosomal Recessive Cerebellar Ataxia. Identifiers: Orphanet 88644, MedGen C1853116, MONDO:0012549, OMIM 610743.

gnomAD v4.1: 52 of 1,614,162 alleles (0.0032%); highest among the groups gnomAD compares: South Asian, 0.048%; no homozygotes.

Submissions (2):

Labcorp Genetics (formerly Invitae), Labcorp
Classification: Likely benign for Emery-Dreifuss muscular dystrophy 4, autosomal dominant; Autosomal recessive ataxia, Beauce type. Last evaluated: 2024-07-30. Review status: criteria provided, single submitter. Criteria: Invitae Variant Classification Sherloc (09022015). Collection method: clinical testing. Allele origin: germline.

PreventionGenetics, part of Exact Sciences
Classification: Likely benign for SYNE1-related condition. Last evaluated: 2024-08-26. Review status: no assertion criteria provided. Collection method: clinical testing. Allele origin: germline. Not counted in ClinVar's aggregate classification.
Comment: This variant is classified as likely benign based on ACMG/AMP sequence variant interpretation guidelines (Richards et al. 2015 PMID: 25741868, with internal and published modifications).